The following is an entry in ClinVar:

ClinVar aggregate classification (germline): Uncertain significance (1 of 4 stars; one submission).

Submission:

Labcorp Genetics (formerly Invitae), Labcorp
Classification: Uncertain significance. Last evaluated: 2020-08-25. Review status: criteria provided, single submitter. Criteria: Invitae Variant Classification Sherloc (09022015). Collection method: clinical testing. Allele origin: germline.
Comment: Algorithms developed to predict the effect of sequence changes on RNA splicing suggest that this variant may create or strengthen a splice site, but this prediction has not been confirmed by published transcriptional studies. In summary, the available evidence is currently insufficient to determine the role of this variant in disease. Therefore, it has been classified as a Variant of Uncertain Significance. Algorithms developed to predict the effect of missense changes on protein structure and function are either unavailable or do not agree on the potential impact of this missense change (SIFT: "Deleterious"; PolyPhen-2: "Probably Damaging"; Align-GVGD: "Class C0"). This sequence change replaces tryptophan with arginine at codon 354 of the USH2A protein (p.Trp354Arg). The tryptophan residue is highly conserved and there is a moderate physicochemical difference between tryptophan and arginine. This variant is not present in population databases (ExAC no frequency). This variant has not been reported in the literature in individuals with USH2A-related conditions.

NM_206933.4(USH2A):c.1060T>A (p.Trp354Arg)

Gene: USH2A (usherin; minus strand). Cytogenetic location: 1q41.
Variant type: single nucleotide variant.
Coding change: c.1060T>A on transcript NM_206933.4 (MANE Select); coding-DNA position 1060, T replaced by A.
Protein change: p.Trp354Arg; replaces tryptophan 354 with arginine.
Molecular consequence: missense variant.
Genome position (GRCh38, 1-based): chr1:216,325,388, A>T on the plus strand (T>A on the coding strand, the complement: USH2A is on the minus strand). VCF-style: chr1-216325388-A-T. GRCh37 (hg19) VCF-style: chr1-216498730-A-T.
Other names: c.1060T>A, p.Trp354Arg (NM_007123.6); short protein forms W354R.
Identifiers: ClinVar variation 1057748 (VCV001057748.9), dbSNP rs2102655835, ClinGen allele CA344912345.